The following is an entry in ClinVar:

NC_000013.10:g.(?_93879710)_(94482818_?)del

Gene: GPC6 (glypican 6; plus strand). Cytogenetic location: 13q31.3.
Variant type: Deletion.
Identifiers: ClinVar variation 2425402 (VCV002425402.3).

ClinVar aggregate classification (germline): Pathogenic (1 of 4 stars; one submission).

Submission:

Labcorp Genetics (formerly Invitae), Labcorp
Classification: Pathogenic. Last evaluated: 2022-05-03. Review status: criteria provided, single submitter. Criteria: Invitae Variant Classification Sherloc (09022015). Collection method: clinical testing. Allele origin: germline.
Comment: For these reasons, this variant has been classified as Pathogenic. This variant has not been reported in the literature in individuals affected with GPC6-related conditions. This variant is a gross deletion of the genomic region encompassing exon(s) 1-3 of the GPC6 gene, which includes the initiator codon. This deletion extends beyond the assayed region for this gene and therefore may encompass additional genes. It is expected to result in an absent or disrupted protein product. Loss-of-function variants in GPC6 are known to be pathogenic (PMID: 19481194).

Literature cited by the submitters: PubMed 19481194.